The following is an entry in ClinVar:

ClinVar aggregate classification (germline): Uncertain significance. Review status: criteria provided, multiple submitters, no conflicts (2 of 4 stars). 2 submissions from 2 submitters: Uncertain significance (2). Last evaluated 2023-08-24.

Conditions:
Alternating hemiplegia of childhood 2 (AHC2). Also called: Alternating Hemiplegia of Childhood (AHC). Identifiers: Orphanet 2131, MedGen C3553788, MONDO:0013900, OMIM 614820.
Dystonia 12 (DYT12). Also called: DYT-ATP1A3; Rapid-Onset Dystonia-Parkinsonism (RDP). Identifiers: Orphanet 71517, MedGen C1868681, MONDO:0007496, OMIM 128235.

Submissions (2):

Clinical Genomics Laboratory, Washington University in St. Louis
Classification: Uncertain significance for Alternating hemiplegia of childhood 2. Last evaluated: 2023-08-24. Review status: criteria provided, single submitter. Criteria: ACMG Guidelines, 2015. Collection method: clinical testing. Allele origin: germline.
Comment: The ATP1A3 c.1111C>G (p.Leu371Val) variant, to our knowledge, has not been reported in the medical literature and is absent from the general population (gnomAD v.2.1.1), indicating it is not a common variant. Computational predictors indicate that the variant is damaging, evidence that correlates with impact to ATP1A3 function. Additionally, this region is enriched for pathogenic missense variants (MutScore) and another variant in the same codon, p.Leu371Pro, has been described in an affected individual (Heinzen EL et al., PMID: 24739246; Rosewich H et al., PMID: 22850527). Due to limited information, and based on ACMG/AMP guidelines for variant interpretation (Richards S et al., PMID: 25741868), the clinical significance of this variant is uncertain at this time.

Labcorp Genetics (formerly Invitae), Labcorp
Classification: Uncertain significance for Dystonia 12. Last evaluated: 2023-02-16. Review status: criteria provided, single submitter. Criteria: Invitae Variant Classification Sherloc (09022015). Collection method: clinical testing. Allele origin: germline.
Comment: In summary, the available evidence is currently insufficient to determine the role of this variant in disease. Therefore, it has been classified as a Variant of Uncertain Significance. Advanced modeling of protein sequence and biophysical properties (such as structural, functional, and spatial information, amino acid conservation, physicochemical variation, residue mobility, and thermodynamic stability) performed at Invitae indicates that this missense variant is expected to disrupt ATP1A3 protein function. This variant has not been reported in the literature in individuals affected with ATP1A3-related conditions. This variant is not present in population databases (gnomAD no frequency). This sequence change replaces leucine, which is neutral and non-polar, with valine, which is neutral and non-polar, at codon 371 of the ATP1A3 protein (p.Leu371Val).

NM_152296.5(ATP1A3):c.1111C>G (p.Leu371Val)

Gene: ATP1A3 (ATPase Na+/K+ transporting subunit alpha 3; minus strand). Cytogenetic location: 19q13.2.
Variant type: single nucleotide variant.
Coding change: c.1111C>G on transcript NM_152296.5 (MANE Select); coding-DNA position 1111, C replaced by G.
Protein change: p.Leu371Val; replaces leucine 371 with valine.
Molecular consequence: missense variant.
Genome position (GRCh38, 1-based): chr19:41,981,989, G>C on the plus strand (C>G on the coding strand, the complement: ATP1A3 is on the minus strand). VCF-style: chr19-41981989-G-C. GRCh37 (hg19) VCF-style: chr19-42486141-G-C.
Other names: c.1144C>G, p.Leu382Val (NM_001256213.2); c.1150C>G, p.Leu384Val (NM_001256214.2); short protein forms L371V, L382V, L384V.
Identifiers: ClinVar variation 2672228 (VCV002672228.4), dbSNP rs2514066519, ClinGen allele CA406051101.
Genomic context (GRCh38, chr19:41,981,989, plus strand): 5'-CAGCCTCGTGGATCTGGTTGTCAAACCACATGTGGGCGACTGTCATGCGGTTCTGAGTGA[G>C]GGTCCCTGTCTTATCTGAGCAGATGGTGGACGTGGAGCCCAGGGTTTCTACAGCCTCCAG-3'
Protein context (NP_689509.1, residues 361-381): STICSDKTGT[Leu371Val]TQNRMTVAHM